The following is an entry in ClinVar:

NM_000138.5(FBN1):c.3079A>G (p.Lys1027Glu)

Gene: FBN1 (fibrillin 1; minus strand). Cytogenetic location: 15q21.1.
Variant type: single nucleotide variant.
Coding change: c.3079A>G on transcript NM_000138.5 (MANE Select); coding-DNA position 3079, A replaced by G.
Protein change: p.Lys1027Glu; replaces lysine 1027 with glutamic acid.
Molecular consequence: missense variant.
Genome position (GRCh38, 1-based): chr15:48,489,854, T>C on the plus strand (A>G on the coding strand, the complement: FBN1 is on the minus strand). VCF-style: chr15-48489854-T-C. GRCh37 (hg19) VCF-style: chr15-48782051-T-C.
Other names: short protein forms K1027E.
Identifiers: ClinVar variation 1053878 (VCV001053878.10), dbSNP rs2141297017, ClinGen allele CA392328861.

ClinVar aggregate classification (germline): Uncertain significance. Review status: criteria provided, multiple submitters, no conflicts (2 of 4 stars). 2 submissions from 2 submitters: Uncertain significance (2). Last evaluated 2024-05-06.

Conditions:
Marfan syndrome (MFS). Also called: FBN1-Related Marfan Syndrome; MARFAN SYNDROME, TYPE I; Marfan syndrome type 1; Marfan's syndrome; Marfan syndrome, classic. Identifiers: Orphanet 284963, Orphanet 558, MedGen C0024796, MONDO:0007947, OMIM 154700.
Familial thoracic aortic aneurysm and aortic dissection (TAAD). Also called: Thoracic aortic aneurysms and dissections. Identifiers: Orphanet 91387, MedGen C4707243, MONDO:0019625.

Submissions (2):

Labcorp Genetics (formerly Invitae), Labcorp
Classification: Uncertain significance for Marfan syndrome; Familial thoracic aortic aneurysm and aortic dissection. Last evaluated: 2024-05-06. Review status: criteria provided, single submitter. Criteria: Invitae Variant Classification Sherloc (09022015). Collection method: clinical testing. Allele origin: germline.
Comment: This sequence change replaces lysine, which is basic and polar, with glutamic acid, which is acidic and polar, at codon 1027 of the FBN1 protein (p.Lys1027Glu). This variant is not present in population databases (gnomAD no frequency). This variant has not been reported in the literature in individuals affected with FBN1-related conditions. ClinVar contains an entry for this variant (Variation ID: 1053878). Advanced modeling of protein sequence and biophysical properties (such as structural, functional, and spatial information, amino acid conservation, physicochemical variation, residue mobility, and thermodynamic stability) performed at Invitae indicates that this missense variant is expected to disrupt FBN1 protein function with a positive predictive value of 80%. In summary, the available evidence is currently insufficient to determine the role of this variant in disease. Therefore, it has been classified as a Variant of Uncertain Significance.

All of Us Research Program, National Institutes of Health
Classification: Uncertain significance for Marfan syndrome. Last evaluated: 2023-05-04. Review status: criteria provided, single submitter. Criteria: ACMG Guidelines, 2015. Collection method: clinical testing. Allele origin: germline. Inheritance: Autosomal dominant inheritance. Observed: 1 variant allele, 1 heterozygote.
Comment: This missense variant replaces lysine with glutamic acid at codon 1027 of the FBN1 protein. Computational prediction suggests that this variant may have deleterious impact on protein structure and function (internally defined REVEL score threshold >= 0.7, PMID: 27666373). To our knowledge, functional studies have not been reported for this variant. This variant has not been reported in individuals affected with FBN1-related disorders in the literature. This variant has not been identified in the general population by the Genome Aggregation Database (gnomAD). The available evidence is insufficient to determine the role of this variant in disease conclusively. Therefore, this variant is classified as a Variant of Uncertain Significance.

This study involves interpretation of variants in research participants for the purpose of population health screening. Participant phenotype was not available at the time of variant classification. Additional details can be found in publication PMID: 35346344, PMCID: PMC8962531